The following is an entry in ClinVar:

ClinVar aggregate classification (germline): Uncertain significance (1 of 4 stars; one submission).

Allele frequency attached by ClinVar (database versions not stated): ExAC 0.00001; TOPMed 0.00001; gnomAD exomes 0.00002; gnomAD 0.00003; 1000 Genomes Project 30x 0.00016; 1000 Genomes Project 0.00020.
gnomAD v4.1: 37 of 1,614,058 alleles (0.0023%); highest among the groups gnomAD compares: Non-Finnish European, 0.0026%; no homozygotes.

Submission:

Labcorp Genetics (formerly Invitae), Labcorp
Classification: Uncertain significance. Last evaluated: 2025-02-10. Review status: criteria provided, single submitter. Criteria: Invitae Variant Classification Sherloc (09022015). Collection method: clinical testing. Allele origin: germline.
Comment: This sequence change replaces threonine, which is neutral and polar, with methionine, which is neutral and non-polar, at codon 924 of the ERCC6 protein (p.Thr924Met). This variant is present in population databases (rs550516110, gnomAD 0.003%). This variant has not been reported in the literature in individuals affected with ERCC6-related conditions. ClinVar contains an entry for this variant (Variation ID: 1982869). Invitae Evidence Modeling of protein sequence and biophysical properties (such as structural, functional, and spatial information, amino acid conservation, physicochemical variation, residue mobility, and thermodynamic stability) indicates that this missense variant is not expected to disrupt ERCC6 protein function with a negative predictive value of 80%. In summary, the available evidence is currently insufficient to determine the role of this variant in disease. Therefore, it has been classified as a Variant of Uncertain Significance.

NM_000124.4(ERCC6):c.2771C>T (p.Thr924Met)

Genes: ERCC6 (ERCC excision repair 6, chromatin remodeling factor; minus strand), LOC126860933 (BRD4-independent group 4 enhancer GRCh37_chr10:50679962-50681161; plus strand). Cytogenetic location: 10q11.23.
Variant type: single nucleotide variant.
Coding change: c.2771C>T on transcript NM_000124.4 (MANE Select); coding-DNA position 2771, C replaced by T.
Protein change: p.Thr924Met; replaces threonine 924 with methionine.
Molecular consequence: missense variant.
Genome position (GRCh38, 1-based): chr10:49,472,967, G>A on the plus strand (C>T on the coding strand, the complement: ERCC6 is on the minus strand). VCF-style: chr10-49472967-G-A. GRCh37 (hg19) VCF-style: chr10-50681013-G-A.
Other names: c.2771C>T, p.Thr924Met (NM_001346440.2); short protein forms T924M.
Identifiers: ClinVar variation 1982869 (VCV001982869.2), dbSNP rs550516110, ClinGen allele CA5495538.
Genomic context (GRCh38, chr10:49,472,967, plus strand): 5'-ACCTGCGTGTCCGTGCTTGGGTTCCAGTCTGGGTCATAGATGACAACTCTGTTTGCCCCC[G>A]TCAGGTTGACACCTAAGCCGCCCACCCGCGTGGTCAGAAGAAACACAAATATGGATGTGT-3'
Protein context (NP_000115.1, residues 914-934): TRVGGLGVNL[Thr924Met]GANRVVIYDP